The following is an entry in ClinVar:

NM_000921.5(PDE3A):c.1450A>T (p.Met484Leu)

Gene: PDE3A (phosphodiesterase 3A; plus strand). Cytogenetic location: 12p12.2.
Variant type: single nucleotide variant.
Coding change: c.1450A>T on transcript NM_000921.5 (MANE Select); coding-DNA position 1450, A replaced by T.
Protein change: p.Met484Leu; replaces methionine 484 with leucine.
Molecular consequence: missense variant.
Genome position (GRCh38, 1-based): chr12:20,621,321, A>T. VCF-style: chr12-20621321-A-T. GRCh37 (hg19) VCF-style: chr12-20774255-A-T.
Other names: c.484A>T, p.Met162Leu (NM_001244683.2, NM_001378409.1); c.1450A>T, p.Met484Leu (NM_001378407.1); c.487A>T, p.Met163Leu (NM_001378408.1); short protein forms M162L, M163L, M484L.
Identifiers: ClinVar variation 1049782 (VCV001049782.2), dbSNP rs552128450, ClinGen allele CA384072827.

ClinVar aggregate classification (germline): Uncertain significance. Review status: criteria provided, single submitter (1 of 4 stars). 2 submissions from 2 submitters: Uncertain significance (1). 1 of the submissions does not count toward it.

gnomAD v4.1: 3 of 1,601,028 alleles (0.00019%); highest among the groups gnomAD compares: Middle Eastern, 0.033%; no homozygotes.

Submissions (2):

Breakthrough Genomics
Classification: Uncertain significance. Review status: criteria provided, single submitter. Criteria: ACMG Guidelines, 2015. Collection method: not provided. Allele origin: germline. Inheritance: Autosomal dominant inheritance. Affected: yes.

Department of Pathology and Laboratory Medicine, Sinai Health System
Classification: Uncertain significance. Review status: no assertion criteria provided. Collection method: clinical testing. Allele origin: unknown. Affected: yes. Study: The Canadian Open Genetics Repository (COGR). Not counted in ClinVar's aggregate classification.
Comment: The PDE3A p.Met162Leu variant was not identified in the literature nor was it identified in dbSNP, ClinVar, LOVD 3.0 or in the following control databases: the 1000 Genomes Project, the NHLBI GO Exome Sequencing Project, or the Genome Aggregation Database (March 6, 2019, v2.1.1). The p.Met162 residue is not conserved in mammals and computational analyses (SIFT, AlignGVGD, BLOSUM, MutationTaster, PolyPhen) do not suggest a high likelihood of impact to the protein; however, this information is not predictive enough to rule out pathogenicity. The variant occurs outside of the splicing consensus sequence and in silico or computational prediction software programs (SpliceSiteFinder, MaxEntScan, NNSPLICE, GeneSplicer) do not predict a difference in splicing. In summary, based on the above information the clinical significance of this variant cannot be determined with certainty at this time. This variant is classified as a variant of uncertain significance.